The following is an entry in ClinVar:

NM_170754.4(TNS2):c.516G>C (p.Lys172Asn)

Genes: TNS2 (tensin 2; plus strand), TNS2-AS1 (TNS2 antisense RNA 1; minus strand). Cytogenetic location: 12q13.13.
Variant type: single nucleotide variant.
Coding change: c.516G>C on transcript NM_170754.4 (MANE Select); coding-DNA position 516, G replaced by C.
Protein change: p.Lys172Asn; replaces lysine 172 with asparagine.
Molecular consequence: missense variant. On other transcripts: non-coding transcript variant (1).
Genome position (GRCh38, 1-based): chr12:53,054,435, G>C. VCF-style: chr12-53054435-G-C. GRCh37 (hg19) VCF-style: chr12-53448219-G-C.
Other names: c.516G>C, p.Lys172Asn (NM_001416202.1, NM_001416204.1); c.447G>C, p.Lys149Asn (NM_001416203.1, NM_015319.3); c.144G>C, p.Lys48Asn (NM_198316.2); c.546G>C (NM_015319.2); short protein forms K172N, K149N, K48N.
Identifiers: ClinVar variation 2715282 (VCV002715282.4), dbSNP rs568025314, ClinGen allele CA6591950.

ClinVar aggregate classification (germline): Uncertain significance. Review status: criteria provided, multiple submitters, no conflicts (2 of 4 stars). 2 submissions from 2 submitters: Uncertain significance (2). Last evaluated 2025-11-06.

Allele frequency attached by ClinVar (database versions not stated): ExAC 0.00014; 1000 Genomes Project 30x 0.00016; 1000 Genomes Project 0.00020.
gnomAD v4.1: 140 of 1,601,552 alleles (0.0087%); highest among the groups gnomAD compares: Admixed American, 0.076%; no homozygotes.

Submissions (2):

Labcorp Genetics (formerly Invitae), Labcorp
Classification: Uncertain significance. Last evaluated: 2025-11-06. Review status: criteria provided, single submitter. Criteria: Invitae Variant Classification Sherloc (09022015). Collection method: clinical testing. Allele origin: germline.
Comment: This sequence change replaces lysine, which is basic and polar, with asparagine, which is neutral and polar, at codon 182 of the TNS2 protein (p.Lys182Asn). This variant is present in population databases (rs568025314, gnomAD 0.06%). This variant has not been reported in the literature in individuals affected with TNS2-related conditions. ClinVar contains an entry for this variant (Variation ID: 2715282). An algorithm developed to predict the effect of missense changes on protein structure and function outputs the following: PolyPhen-2: "Possibly Damaging". The asparagine amino acid residue is found in multiple mammalian species, which suggests that this missense change does not adversely affect protein function. In summary, the available evidence is currently insufficient to determine the role of this variant in disease. Therefore, it has been classified as a Variant of Uncertain Significance.

Ambry Genetics
Classification: Uncertain significance. Last evaluated: 2024-10-16. Review status: criteria provided, single submitter. Criteria: Ambry Variant Classification Scheme 2023. Collection method: clinical testing. Allele origin: germline.